The following is an entry in ClinVar:

NM_000282.4(PCCA):c.1168C>T (p.Arg390Cys)

Gene: PCCA (propionyl-CoA carboxylase subunit alpha; plus strand). Cytogenetic location: 13q32.3.
Variant type: single nucleotide variant.
Coding change: c.1168C>T on transcript NM_000282.4 (MANE Select); coding-DNA position 1168, C replaced by T.
Protein change: p.Arg390Cys; replaces arginine 390 with cysteine.
Molecular consequence: missense variant. On other transcripts: non-coding transcript variant (5), intron variant (3).
Genome position (GRCh38, 1-based): chr13:100,301,562, C>T. VCF-style: chr13-100301562-C-T. GRCh37 (hg19) VCF-style: chr13-100953816-C-T.
Other names: c.1090C>T, p.Arg364Cys (NM_001127692.3, NM_001352607.2); c.1168C>T, p.Arg390Cys (NM_001178004.2, NM_001352605.2, NM_001352609.2); c.223C>T, p.Arg75Cys (NM_001352610.2, NM_001352611.2); c.1066-1362C>T (NM_001352606.2); c.121-1362C>T (NM_001352612.2); c.988-1362C>T (NM_001352608.2); short protein forms R364C, R75C, R390C.
Identifiers: ClinVar variation 2188121 (VCV002188121.1), dbSNP rs199969765, ClinGen allele CA7033520.

ClinVar aggregate classification (germline): Uncertain significance (1 of 4 stars; one submission).

Conditions:
Propionic acidemia (PROP). Also called: GLYCINEMIA, KETOTIC; HYPERGLYCINEMIA WITH KETOACIDOSIS AND LEUKOPENIA; KETOTIC HYPERGLYCINEMIA. Identifiers: Orphanet 35, MedGen C0268579, MONDO:0011628, OMIM 606054, HP:0003571.

Allele frequency attached by ClinVar (database versions not stated): ExAC 0.00001; TOPMed 0.00005; gnomAD 0.00007; ESP Exome Variant Server 0.00008; 1000 Genomes Project 0.00020; 1000 Genomes Project 30x 0.00031.
gnomAD v4.1: 93 of 1,613,978 alleles (0.0058%); highest among the groups gnomAD compares: East Asian, 0.02%; no homozygotes.

Submission:

Labcorp Genetics (formerly Invitae), Labcorp
Classification: Uncertain significance for Propionic acidemia. Last evaluated: 2022-10-17. Review status: criteria provided, single submitter. Criteria: Invitae Variant Classification Sherloc (09022015). Collection method: clinical testing. Allele origin: germline.
Comment: This sequence change replaces arginine, which is basic and polar, with cysteine, which is neutral and slightly polar, at codon 390 of the PCCA protein (p.Arg390Cys). This variant is present in population databases (rs199969765, gnomAD 0.03%). This variant has not been reported in the literature in individuals affected with PCCA-related conditions. Advanced modeling of protein sequence and biophysical properties (such as structural, functional, and spatial information, amino acid conservation, physicochemical variation, residue mobility, and thermodynamic stability) has been performed at Invitae for this missense variant, however the output from this modeling did not meet the statistical confidence thresholds required to predict the impact of this variant on PCCA protein function. In summary, the available evidence is currently insufficient to determine the role of this variant in disease. Therefore, it has been classified as a Variant of Uncertain Significance.